The following is an entry in ClinVar:

ClinVar aggregate classification (germline): Uncertain significance (1 of 4 stars; one submission).

Submission:

Ambry Genetics
Classification: Uncertain significance. Last evaluated: 2024-09-30. Review status: criteria provided, single submitter. Criteria: Ambry Variant Classification Scheme 2023. Collection method: clinical testing. Allele origin: germline.
Comment: The p.T81R variant (also known as c.242C>G), located in coding exon 1 of the TERF2IP gene, results from a C to G substitution at nucleotide position 242. The threonine at codon 81 is replaced by arginine, an amino acid with similar properties. This amino acid position is conserved. In addition, the in silico prediction for this alteration is inconclusive. Based on the available evidence, the clinical significance of this variant remains unclear.

NM_018975.4(TERF2IP):c.242C>G (p.Thr81Arg)

Gene: TERF2IP (TERF2 interacting protein; plus strand). Cytogenetic location: 16q23.1.
Variant type: single nucleotide variant.
Coding change: c.242C>G on transcript NM_018975.4 (MANE Select); coding-DNA position 242, C replaced by G.
Protein change: p.Thr81Arg; replaces threonine 81 with arginine.
Molecular consequence: missense variant. On other transcripts: non-coding transcript variant (1).
Genome position (GRCh38, 1-based): chr16:75,648,124, C>G. VCF-style: chr16-75648124-C-G. GRCh37 (hg19) VCF-style: chr16-75682022-C-G.
Other names: short protein forms T81R.
Identifiers: ClinVar variation 3455117 (VCV003455117.1).